The following is an entry in ClinVar:

NM_170754.4(TNS2):c.2495C>T (p.Ser832Phe)

Gene: TNS2 (tensin 2; plus strand). Cytogenetic location: 12q13.13.
Variant type: single nucleotide variant.
Coding change: c.2495C>T on transcript NM_170754.4 (MANE Select); coding-DNA position 2495, C replaced by T.
Protein change: p.Ser832Phe; replaces serine 832 with phenylalanine.
Molecular consequence: missense variant.
Genome position (GRCh38, 1-based): chr12:53,060,136, C>T. VCF-style: chr12-53060136-C-T. GRCh37 (hg19) VCF-style: chr12-53453920-C-T.
Other names: c.2495C>T, p.Ser832Phe (NM_001416202.1); c.2453C>T, p.Ser818Phe (NM_001416203.1); c.2522C>T, p.Ser841Phe (NM_001416204.1); c.2426C>T, p.Ser809Phe (NM_015319.3); c.2123C>T, p.Ser708Phe (NM_198316.2); short protein forms S818F, S841F, S708F, S809F, S832F.
Identifiers: ClinVar variation 2738076 (VCV002738076.3), dbSNP rs563844075, ClinGen allele CA6592603.
Genomic context (GRCh38, chr12:53,060,136, plus strand): 5'-CAGGAGAGGGCAGAGGGTATCCCAGCCCTGGTGCCCACTCCCCACGGGCTGGCTCCATTT[C>T]CCCGGGCAGCCCGCCCTATCCACAATCTAGGAAGCTGAGCTACGAGATCCCTACGGAGGA-3'
Protein context (NP_736610.2, residues 822-842): GAHSPRAGSI[Ser832Phe]PGSPPYPQSR

ClinVar aggregate classification (germline): Uncertain significance (1 of 4 stars; one submission).

Allele frequency attached by ClinVar (database versions not stated): 1000 Genomes Project 0.00040; 1000 Genomes Project 30x 0.00031.
gnomAD v4.1: 84 of 1,610,300 alleles (0.0052%); highest among the groups gnomAD compares: Admixed American, 0.015%; no homozygotes.

Submission:

Labcorp Genetics (formerly Invitae), Labcorp
Classification: Uncertain significance. Last evaluated: 2025-04-17. Review status: criteria provided, single submitter. Criteria: Invitae Variant Classification Sherloc (09022015). Collection method: clinical testing. Allele origin: germline.
Comment: This sequence change replaces serine, which is neutral and polar, with phenylalanine, which is neutral and non-polar, at codon 842 of the TNS2 protein (p.Ser842Phe). This variant is present in population databases (rs563844075, gnomAD 0.2%), and has an allele count higher than expected for a pathogenic variant. This variant has not been reported in the literature in individuals affected with TNS2-related conditions. ClinVar contains an entry for this variant (Variation ID: 2738076). An algorithm developed to predict the effect of missense changes on protein structure and function (PolyPhen-2) suggests that this variant is likely to be disruptive. In summary, the available evidence is currently insufficient to determine the role of this variant in disease. Therefore, it has been classified as a Variant of Uncertain Significance.